The following is an entry in ClinVar:

ClinVar aggregate classification (germline): Uncertain significance (1 of 4 stars; one submission).

Submission:

Labcorp Genetics (formerly Invitae), Labcorp
Classification: Uncertain significance. Last evaluated: 2025-06-12. Review status: criteria provided, single submitter. Criteria: Invitae Variant Classification Sherloc (09022015). Collection method: clinical testing. Allele origin: germline.
Comment: This sequence change replaces asparagine, which is neutral and polar, with histidine, which is basic and polar, at codon 352 of the BCL11B protein (p.Asn352His). This variant is not present in population databases (gnomAD no frequency). This variant has not been reported in the literature in individuals affected with BCL11B-related conditions. Invitae Evidence Modeling of protein sequence and biophysical properties (such as structural, functional, and spatial information, amino acid conservation, physicochemical variation, residue mobility, and thermodynamic stability) indicates that this missense variant is not expected to disrupt BCL11B protein function with a negative predictive value of 95%. In summary, the available evidence is currently insufficient to determine the role of this variant in disease. Therefore, it has been classified as a Variant of Uncertain Significance.

NM_138576.4(BCL11B):c.1054A>C (p.Asn352His)

Gene: BCL11B (BCL11 transcription factor B; minus strand). Cytogenetic location: 14q32.2.
Variant type: single nucleotide variant.
Coding change: c.1054A>C on transcript NM_138576.4 (MANE Select); coding-DNA position 1054, A replaced by C.
Protein change: p.Asn352His; replaces asparagine 352 with histidine.
Molecular consequence: missense variant.
Genome position (GRCh38, 1-based): chr14:99,175,782, T>G on the plus strand (A>C on the coding strand, the complement: BCL11B is on the minus strand). VCF-style: chr14-99175782-T-G. GRCh37 (hg19) VCF-style: chr14-99642119-T-G.
Other names: c.1051A>C, p.Asn351His (NM_001282237.2); c.838A>C, p.Asn280His (NM_001282238.2); c.841A>C, p.Asn281His (NM_022898.3); short protein forms N280H, N281H, N351H, N352H.
Identifiers: ClinVar variation 4782255 (VCV004782255.1).